The following is an entry in ClinVar:

NM_000065.5(C6):c.223T>A (p.Trp75Arg)

Gene: C6 (complement C6; minus strand). Cytogenetic location: 5p13.1.
Variant type: single nucleotide variant.
Coding change: c.223T>A on transcript NM_000065.5 (MANE Select); coding-DNA position 223, T replaced by A.
Protein change: p.Trp75Arg; replaces tryptophan 75 with arginine.
Molecular consequence: missense variant.
Genome position (GRCh38, 1-based): chr5:41,201,635, A>T on the plus strand (T>A on the coding strand, the complement: C6 is on the minus strand). VCF-style: chr5-41201635-A-T. GRCh37 (hg19) VCF-style: chr5-41201737-A-T.
Other names: c.223T>A, p.Trp75Arg (NM_001115131.4); short protein forms W75R.
Identifiers: ClinVar variation 1932927 (VCV001932927.5), dbSNP rs751009630, ClinGen allele CA359605265.
Genomic context (GRCh38, chr5:41,201,635, plus strand): 5'-GGTCACAGTCTGACCATGGTCCAAAATCTCCCAGGAGGCAGTTGATGGGGCATCTTTGCC[A>T]GTTACATTCTCTAGTCTCCTGCTTGCTGCAAATCTGTTCACAAAAGTTTTCCTGGTAGTA-3'
Protein context (NP_000056.2, residues 65-85): CSKQETRECN[Trp75Arg]QRCPINCLLG

ClinVar aggregate classification (germline): Uncertain significance (1 of 4 stars; one submission).

Allele frequency attached by ClinVar (database versions not stated): gnomAD 0.00001.
gnomAD v4.1: 3 of 1,613,582 alleles (0.00019%); highest among the groups gnomAD compares: Non-Finnish European, 0.00025%; no homozygotes.

Submission:

Labcorp Genetics (formerly Invitae), Labcorp
Classification: Uncertain significance. Last evaluated: 2022-01-31. Review status: criteria provided, single submitter. Criteria: Invitae Variant Classification Sherloc (09022015). Collection method: clinical testing. Allele origin: germline.
Comment: This variant has not been reported in the literature in individuals affected with C6-related conditions. This variant is not present in population databases (gnomAD no frequency). This sequence change replaces tryptophan, which is neutral and slightly polar, with arginine, which is basic and polar, at codon 75 of the C6 protein (p.Trp75Arg). In summary, the available evidence is currently insufficient to determine the role of this variant in disease. Therefore, it has been classified as a Variant of Uncertain Significance. Algorithms developed to predict the effect of missense changes on protein structure and function (SIFT, PolyPhen-2, Align-GVGD) all suggest that this variant is likely to be tolerated.